The following is an entry in ClinVar:

ClinVar aggregate classification (germline): Uncertain significance. Review status: criteria provided, multiple submitters, no conflicts (2 of 4 stars). 2 submissions from 2 submitters: Uncertain significance (2). Last evaluated 2026-09-17.

Conditions:
SCN8A-related disorder.

Submissions (2):

GeneDx
Classification: Uncertain significance. Last evaluated: 2026-09-17. Review status: criteria provided, single submitter. Criteria: GeneDx Variant Classification Process June 2021. Collection method: clinical testing. Allele origin: germline.
Comment: Not observed at significant frequency in large population cohorts (gnomAD); In silico analysis supports that this missense variant has a deleterious effect on protein structure/function; Has not been previously published as pathogenic or benign to our knowledge; This substitution is predicted to be within the transmembrane segment S1 of the third homologous domain

PreventionGenetics, part of Exact Sciences
Classification: Uncertain significance for SCN8A-related condition. Last evaluated: 2025-05-06. Review status: criteria provided, single submitter. Criteria: ACMG Guidelines, 2015. Collection method: clinical testing. Allele origin: germline.
Comment: The SCN8A c.3647C>T variant is predicted to result in the amino acid substitution p.Ala1216Val. To our knowledge, this variant has not been reported in the literature or in a large population database (gnomAD), indicating this variant is rare. At this time, the clinical significance of this variant is uncertain due to the absence of conclusive functional and genetic evidence.

NM_001330260.2(SCN8A):c.3647C>T (p.Ala1216Val)

Gene: SCN8A (sodium voltage-gated channel alpha subunit 8; plus strand). Cytogenetic location: 12q13.13.
Variant type: single nucleotide variant.
Coding change: c.3647C>T on transcript NM_001330260.2 (MANE Select); coding-DNA position 3647, C replaced by T.
Protein change: p.Ala1216Val; replaces alanine 1216 with valine.
Molecular consequence: missense variant.
Genome position (GRCh38, 1-based): chr12:51,774,190, C>T. VCF-style: chr12-51774190-C-T. GRCh37 (hg19) VCF-style: chr12-52167974-C-T.
Other names: c.3647C>T, p.Ala1216Val (NM_001177984.3, NM_001369788.1, NM_014191.4); c.3647C>T (NM_001330260.1); short protein forms A1216V.
Identifiers: ClinVar variation 2579628 (VCV002579628.3), dbSNP rs2540278758, ClinGen allele CA384898652.